The following is an entry in ClinVar:

ClinVar aggregate classification (germline): Uncertain significance (1 of 4 stars; one submission).

Submission:

Labcorp Genetics (formerly Invitae), Labcorp
Classification: Uncertain significance. Last evaluated: 2022-08-10. Review status: criteria provided, single submitter. Criteria: Invitae Variant Classification Sherloc (09022015). Collection method: clinical testing. Allele origin: germline.
Comment: Advanced modeling of protein sequence and biophysical properties (such as structural, functional, and spatial information, amino acid conservation, physicochemical variation, residue mobility, and thermodynamic stability) performed at Invitae indicates that this missense variant is expected to disrupt ABCA12 protein function. In summary, the available evidence is currently insufficient to determine the role of this variant in disease. Therefore, it has been classified as a Variant of Uncertain Significance. ClinVar contains an entry for this variant (Variation ID: 1409716). This sequence change replaces alanine, which is neutral and non-polar, with glutamic acid, which is acidic and polar, at codon 2533 of the ABCA12 protein (p.Ala2533Glu). This variant is not present in population databases (gnomAD no frequency). This variant has not been reported in the literature in individuals affected with ABCA12-related conditions.

NM_173076.3(ABCA12):c.7598C>A (p.Ala2533Glu)

Genes: ABCA12 (ATP binding cassette subfamily A member 12; minus strand), SNHG31 (small nucleolar RNA host gene 31; plus strand). Cytogenetic location: 2q35.
Variant type: single nucleotide variant.
Coding change: c.7598C>A on transcript NM_173076.3 (MANE Select); coding-DNA position 7598, C replaced by A.
Protein change: p.Ala2533Glu; replaces alanine 2533 with glutamic acid.
Molecular consequence: missense variant. On other transcripts: non-coding transcript variant (1).
Genome position (GRCh38, 1-based): chr2:214,934,160, G>T on the plus strand (C>A on the coding strand, the complement: ABCA12 is on the minus strand). VCF-style: chr2-214934160-G-T. GRCh37 (hg19) VCF-style: chr2-215798884-G-T.
Other names: c.6644C>A, p.Ala2215Glu (NM_015657.4); short protein forms A2533E, A2215E.
Identifiers: ClinVar variation 1409716 (VCV001409716.6), dbSNP rs2105907205, ClinGen allele CA350792724.
Genomic context (GRCh38, chr2:214,934,160, plus strand): 5'-ACTAAGAAATTTGTAATATTTAAAGCAGTCTTGTTGGTTTCCAGCAGATCAAAAATGTTT[G>T]CGACTCCTCCTGCTGTGACTGGTACATGATACTCTAGCATGCTGAGGTGCTGATCCTGTG-3'
Protein context (NP_775099.2, residues 2523-2543): YHVPVTAGGV[Ala2533Glu]NIFDLLETNK